The following is an entry in ClinVar:

ClinVar aggregate classification (germline): Benign/Likely benign. Review status: criteria provided, multiple submitters, no conflicts (2 of 4 stars). 14 submissions from 14 submitters: Benign (11); Likely benign (1). 2 of the submissions do not count toward it. Last evaluated 2026-02-04.

Conditions:
Myofibrillar myopathy 5. Also called: Filaminopathy (type); FILAMINOPATHY, AUTOSOMAL DOMINANT. Identifiers: Orphanet 171445, MedGen C1836050, MONDO:0012289, OMIM 609524.
Distal myopathy with posterior leg and anterior hand involvement. Also called: WILLIAMS DISTAL MYOPATHY. Identifiers: Orphanet 63273, MedGen C3279722, MONDO:0013550, OMIM 614065.
Hypertrophic cardiomyopathy 26. Also called: Cardiomyopathy, familial hypertrophic, 26. Identifiers: Orphanet 75249, MedGen C4310749, MONDO:0014883, OMIM 617047.
Cardiovascular phenotype. Identifiers: MedGen CN230736.

Allele frequency attached by ClinVar (database versions not stated): TOPMed 0.06095; 1000 Genomes Project 30x 0.06106; 1000 Genomes Project 0.06250; gnomAD 0.06258 and 0.06414; ESP Exome Variant Server 0.06495; gnomAD exomes 0.07503; ExAC 0.07638.
gnomAD v4.1: 132,106 of 1,613,300 alleles (8.2%); highest among the groups gnomAD compares: East Asian, 13%; 5,775 homozygotes.

Submissions (14):

Labcorp Genetics (formerly Invitae), Labcorp
Classification: Benign for Distal myopathy with posterior leg and anterior hand involvement; Myofibrillar myopathy 5; Hypertrophic cardiomyopathy 26. Last evaluated: 2026-02-04. Review status: criteria provided, single submitter. Criteria: Invitae Variant Classification Sherloc (09022015). Collection method: clinical testing. Allele origin: germline.

Molecular Diagnostic Laboratory for Inherited Cardiovascular Disease, Montreal Heart Institute
Classification: Benign. Last evaluated: 2025-04-09. Review status: criteria provided, single submitter. Criteria: ACMG Guidelines, 2015. Collection method: clinical testing. Allele origin: germline. Affected: no.

Blueprint Genetics
Classification: Benign. Last evaluated: 2024-11-27. Review status: criteria provided, single submitter. Criteria: ACMG Guidelines, 2015. Collection method: clinical testing. Allele origin: germline.

Women's Health and Genetics/Laboratory Corporation of America, LabCorp
Classification: Likely benign. Last evaluated: 2023-04-04. Review status: criteria provided, single submitter. Criteria: LabCorp Variant Classification Summary - May 2015. Collection method: clinical testing. Allele origin: germline.

Mayo Clinic Laboratories, Mayo Clinic
Classification: Benign. Last evaluated: 2023-01-05. Review status: criteria provided, single submitter. Criteria: ACMG Guidelines, 2015. Collection method: clinical testing. Allele origin: germline. Observed: 238 variant alleles.
Comment: BA1

Ambry Genetics
Classification: Benign for Cardiovascular phenotype. Last evaluated: 2018-12-27. Review status: criteria provided, single submitter. Criteria: Ambry Variant Classification Scheme 2023. Collection method: clinical testing. Allele origin: germline.

Athena Diagnostics
Classification: Benign. Last evaluated: 2017-09-12. Review status: criteria provided, single submitter. Criteria: Athena Diagnostics Criteria. Collection method: clinical testing. Allele origin: germline.

GeneDx
Classification: Benign. Last evaluated: 2016-02-08. Review status: criteria provided, single submitter. Criteria: GeneDx Variant Classification (06012015). Collection method: clinical testing. Allele origin: germline. Affected: yes.
Comment: This variant is considered likely benign or benign based on one or more of the following criteria: it is a conservative change, it occurs at a poorly conserved position in the protein, it is predicted to be benign by multiple in silico algorithms, and/or has population frequency not consistent with disease.

Laboratory for Molecular Medicine, Mass General Brigham Personalized Medicine
Classification: Benign. Last evaluated: 2015-01-13. Review status: criteria provided, single submitter. Criteria: LMM Criteria. Collection method: clinical testing. Allele origin: germline. Observed: 3 variant alleles.
Comment: p.Arg1567Gln in exon 27 of FLNC: This variant is not expected to have clinical s ignificance because it has been identified in 8.5% (716/8422) of European Americ an chromosomes from a broad population by the NHLBI Exome Sequencing Project (dbSNP rs2291569).

Genetic Services Laboratory, University of Chicago
Classification: Benign for AllHighlyPenetrant. Last evaluated: 2013-08-15. Review status: criteria provided, single submitter. Criteria: ACMG Guidelines, 2007. Collection method: clinical testing. Allele origin: germline. Inheritance: Autosomal dominant inheritance.

Breakthrough Genomics
Classification: Benign. Review status: criteria provided, single submitter. Criteria: ACMG Guidelines, 2015. Collection method: not provided. Allele origin: germline. Inheritance: Autosomal dominant inheritance. Affected: yes.

PreventionGenetics, part of Exact Sciences
Classification: Benign. Review status: criteria provided, single submitter. Criteria: ACMG Guidelines, 2015. Collection method: clinical testing. Allele origin: germline.

Clinical Genetics, Academic Medical Center
Classification: Benign. Review status: no assertion criteria provided. Collection method: clinical testing. Allele origin: germline. Affected: yes. Study: VKGL Data-share Consensus. Not counted in ClinVar's aggregate classification.

Joint Genome Diagnostic Labs from Nijmegen and Maastricht, Radboudumc and MUMC+
Classification: Benign. Review status: no assertion criteria provided. Collection method: clinical testing. Allele origin: germline. Affected: yes. Study: VKGL Data-share Consensus. Not counted in ClinVar's aggregate classification.

NM_001458.5(FLNC):c.4700G>A (p.Arg1567Gln)

Gene: FLNC (filamin C; plus strand). Cytogenetic location: 7q32.1.
Variant type: single nucleotide variant.
Coding change: c.4700G>A on transcript NM_001458.5 (MANE Select); coding-DNA position 4700, G replaced by A.
Protein change: p.Arg1567Gln; replaces arginine 1567 with glutamine.
Molecular consequence: missense variant.
Genome position (GRCh38, 1-based): chr7:128,848,680, G>A. VCF-style: chr7-128848680-G-A. GRCh37 (hg19) VCF-style: chr7-128488734-G-A.
Other names: c.4700G>A, p.Arg1567Gln (NM_001127487.2); short protein forms R1567Q.
Identifiers: ClinVar variation 129091 (VCV000129091.29), dbSNP rs2291569, ClinGen allele CA152865.